The following is an entry in ClinVar:

ClinVar aggregate classification (germline): Uncertain significance (1 of 4 stars; one submission).

Conditions:
Congenital myopathy with internal nuclei and atypical cores. Also called: Myopathy, centronuclear, 4. Identifiers: Orphanet 319160, MedGen C4707232, MONDO:0013890, OMIM 614807.

Allele frequency attached by ClinVar (database versions not stated): gnomAD exomes below 0.00001 and 0.00001.

Submission:

Labcorp Genetics (formerly Invitae), Labcorp
Classification: Uncertain significance for Congenital myopathy with internal nuclei and atypical cores. Last evaluated: 2024-05-09. Review status: criteria provided, single submitter. Criteria: Invitae Variant Classification Sherloc (09022015). Collection method: clinical testing. Allele origin: germline.
Comment: This sequence change replaces histidine, which is basic and polar, with tyrosine, which is neutral and polar, at codon 74 of the CCDC78 protein (p.His74Tyr). The frequency data for this variant in the population databases is considered unreliable, as metrics indicate poor data quality at this position in the gnomAD database. This variant has not been reported in the literature in individuals affected with CCDC78-related conditions. ClinVar contains an entry for this variant (Variation ID: 663063). Advanced modeling of protein sequence and biophysical properties (such as structural, functional, and spatial information, amino acid conservation, physicochemical variation, residue mobility, and thermodynamic stability) performed at Invitae indicates that this missense variant is not expected to disrupt CCDC78 protein function with a negative predictive value of 80%. In summary, the available evidence is currently insufficient to determine the role of this variant in disease. Therefore, it has been classified as a Variant of Uncertain Significance.

NM_001378030.1(CCDC78):c.220C>T (p.His74Tyr)

Gene: CCDC78 (coiled-coil domain containing 78; minus strand). Cytogenetic location: 16p13.3.
Variant type: single nucleotide variant.
Coding change: c.220C>T on transcript NM_001378030.1 (MANE Select); coding-DNA position 220, C replaced by T.
Protein change: p.His74Tyr; replaces histidine 74 with tyrosine.
Molecular consequence: missense variant. On other transcripts: 5 prime UTR variant (1), non-coding transcript variant (5).
Genome position (GRCh38, 1-based): chr16:725,841, G>A on the plus strand (C>T on the coding strand, the complement: CCDC78 is on the minus strand). VCF-style: chr16-725841-G-A. GRCh37 (hg19) VCF-style: chr16-775841-G-A.
Other names: c.220C>T, p.His74Tyr (NM_001031737.3, NM_001378031.1); c.-66C>T (NM_001378033.1); short protein forms H74Y.
Identifiers: ClinVar variation 663063 (VCV000663063.8), dbSNP rs1248260858, ClinGen allele CA394104725.